The following is an entry in ClinVar:

NM_001267550.2(TTN):c.28225G>A (p.Val9409Met)

Gene: TTN (titin; minus strand). Cytogenetic location: 2q31.2.
Variant type: single nucleotide variant.
Coding change: c.28225G>A on transcript NM_001267550.2 (MANE Select); coding-DNA position 28225, G replaced by A.
Protein change: p.Val9409Met; replaces valine 9409 with methionine.
Molecular consequence: missense variant. On other transcripts: intron variant (3).
Genome position (GRCh38, 1-based): chr2:178,710,872, C>T on the plus strand (G>A on the coding strand, the complement: TTN is on the minus strand). VCF-style: chr2-178710872-C-T. GRCh37 (hg19) VCF-style: chr2-179575599-C-T.
Other names: c.27274G>A, p.Val9092Met (NM_001256850.1); c.24493G>A, p.Val8165Met (NM_133378.4); c.13282+27210G>A (NM_003319.4); c.13858+27210G>A (NM_133437.4); c.13657+27210G>A (NM_133432.3); short protein forms V8165M, V9092M, V9409M.
Identifiers: ClinVar variation 2691066 (VCV002691066.2), dbSNP rs1239606732, ClinGen allele CA349439009.

ClinVar aggregate classification (germline): Conflicting classifications of pathogenicity. Review status: criteria provided, conflicting classifications (1 of 4 stars). 2 submissions from 2 submitters: Uncertain significance (1); Likely benign (1). Last evaluated 2025-07-07.

Conditions:
TTN-related disorder. Also called: TTN-related disorders; TTN-related condition; TTN-related disease.
Cardiomyopathy (CMYO). Also called: Cardiomyopathies. Identifiers: Orphanet 167848, MedGen C0878544, MONDO:0004994, HP:0001638. Inheritance: Various modes of inheritance.

Allele frequency attached by ClinVar (database versions not stated): gnomAD exomes below 0.00001; gnomAD 0.00002; TOPMed 0.00002.
gnomAD v4.1: 13 of 1,613,800 alleles (0.00081%); highest among the groups gnomAD compares: Middle Eastern, 0.016%; no homozygotes.

Submissions (2):

PreventionGenetics, part of Exact Sciences
Classification: Uncertain significance for TTN-related condition. Last evaluated: 2025-07-07. Review status: criteria provided, single submitter. Criteria: ACMG Guidelines, 2015. Collection method: clinical testing. Allele origin: germline.
Comment: The TTN c.28225G>A variant is predicted to result in the amino acid substitution p.Val9409Met. To our knowledge, this variant has not been reported in the literature. This variant is reported in 0.0083% of alleles in individuals of African descent in gnomAD. At this time, the clinical significance of this variant is uncertain due to the absence of conclusive functional and genetic evidence.

CHEO Genetics Diagnostic Laboratory, Children's Hospital of Eastern Ontario
Classification: Likely benign for Cardiomyopathy. Last evaluated: 2022-07-06. Review status: criteria provided, single submitter. Criteria: ACMG Guidelines, 2015. Collection method: clinical testing. Allele origin: germline.